The following is an entry in ClinVar:

NM_000059.4(BRCA2):c.7183C>T (p.His2395Tyr)

Gene: BRCA2 (BRCA2 DNA repair associated; plus strand). Cytogenetic location: 13q13.1.
Variant type: single nucleotide variant.
Coding change: c.7183C>T on transcript NM_000059.4 (MANE Select); coding-DNA position 7183, C replaced by T.
Protein change: p.His2395Tyr; replaces histidine 2395 with tyrosine.
Molecular consequence: missense variant.
Genome position (GRCh38, 1-based): chr13:32,355,036, C>T. VCF-style: chr13-32355036-C-T. GRCh37 (hg19) VCF-style: chr13-32929173-C-T.
Other names: short protein forms H2395Y.
Identifiers: ClinVar variation 826891 (VCV000826891.10), dbSNP rs1593917974, ClinGen allele CA387739629.

ClinVar aggregate classification (germline): Uncertain significance. Review status: criteria provided, multiple submitters, no conflicts (2 of 4 stars). 2 submissions from 2 submitters: Uncertain significance (2). Last evaluated 2025-09-01.

Conditions:
Hereditary breast ovarian cancer syndrome. Also called: Hereditary breast and ovarian cancer syndrome; Hereditary breast and ovarian cancer; Hereditary breast and ovarian cancer syndrome (HBOC); Breast and ovarian cancer; Hereditary breast and/or ovarian cancer syndrome; BRCA1- and BRCA2-Associated Hereditary Breast and Ovarian Cancer. Identifiers: Orphanet 145, MedGen C0677776, MeSH D061325, MONDO:0003582. Disease mechanism: loss of function.
Hereditary cancer-predisposing syndrome. Also called: Neoplastic Syndromes, Hereditary; Tumor predisposition; Hereditary neoplastic syndrome; Hereditary Cancer Syndrome. Identifiers: Orphanet 140162, MedGen C0027672, MeSH D009386, MONDO:0015356.

Submissions (2):

Labcorp Genetics (formerly Invitae), Labcorp
Classification: Uncertain significance for Hereditary breast ovarian cancer syndrome. Last evaluated: 2025-09-01. Review status: criteria provided, single submitter. Criteria: Invitae Variant Classification Sherloc (09022015). Collection method: clinical testing. Allele origin: germline.
Comment: This sequence change replaces histidine, which is basic and polar, with tyrosine, which is neutral and polar, at codon 2395 of the BRCA2 protein (p.His2395Tyr). This variant is not present in population databases (gnomAD no frequency). This variant has not been reported in the literature in individuals affected with BRCA2-related conditions. ClinVar contains an entry for this variant (Variation ID: 826891). Invitae Evidence Modeling of protein sequence and biophysical properties (such as structural, functional, and spatial information, amino acid conservation, physicochemical variation, residue mobility, and thermodynamic stability) indicates that this missense variant is not expected to disrupt BRCA2 protein function with a negative predictive value of 95%. In summary, the available evidence is currently insufficient to determine the role of this variant in disease. Therefore, it has been classified as a Variant of Uncertain Significance.

Ambry Genetics
Classification: Uncertain significance for Hereditary cancer-predisposing syndrome. Last evaluated: 2019-11-15. Review status: criteria provided, single submitter. Criteria: Ambry Variant Classification Scheme 2023. Collection method: clinical testing. Allele origin: germline.
Comment: The p.H2395Y variant (also known as c.7183C>T), located in coding exon 13 of the BRCA2 gene, results from a C to T substitution at nucleotide position 7183. The histidine at codon 2395 is replaced by tyrosine, an amino acid with similar properties. This amino acid position is not well conserved in available vertebrate species. In addition, this alteration is predicted to be tolerated by in silico analysis. Since supporting evidence is limited at this time, the clinical significance of this alteration remains unclear.